The following is an entry in ClinVar:

NM_001278431.2(C1QTNF5):c.238C>A (p.Pro80Thr)

Genes: C1QTNF5 (C1q and TNF related 5; minus strand), MFRP (membrane frizzled-related protein; minus strand). Cytogenetic location: 11q23.3.
Variant type: single nucleotide variant.
Coding change: c.238C>A on transcript NM_001278431.2 (MANE Select); coding-DNA position 238, C replaced by A.
Protein change: p.Pro80Thr; replaces proline 80 with threonine.
Molecular consequence: missense variant. On other transcripts: 3 prime UTR variant (1).
Genome position (GRCh38, 1-based): chr11:119,339,825, G>T on the plus strand (C>A on the coding strand, the complement: C1QTNF5 is on the minus strand). VCF-style: chr11-119339825-G-T. GRCh37 (hg19) VCF-style: chr11-119210535-G-T.
Other names: c.238C>A, p.Pro80Thr (NM_015645.5); c.*1134C>A (NM_031433.4); short protein forms P80T.
Identifiers: ClinVar variation 1388539 (VCV001388539.6), dbSNP rs1177929329, ClinGen allele CA382970116.

ClinVar aggregate classification (germline): Uncertain significance (1 of 4 stars; one submission).

Allele frequency attached by ClinVar (database versions not stated): gnomAD 0.00001.
gnomAD v4.1: 1 of 1,512,208 alleles (0.000066%); highest among the groups gnomAD compares: East Asian, 0.0024%; no homozygotes.

Submission:

Labcorp Genetics (formerly Invitae), Labcorp
Classification: Uncertain significance. Last evaluated: 2024-02-26. Review status: criteria provided, single submitter. Criteria: Invitae Variant Classification Sherloc (09022015). Collection method: clinical testing. Allele origin: germline.
Comment: This sequence change replaces proline, which is neutral and non-polar, with threonine, which is neutral and polar, at codon 80 of the C1QTNF5 protein (p.Pro80Thr). This variant is present in population databases (no rsID available, gnomAD 0.06%). This variant has not been reported in the literature in individuals affected with C1QTNF5-related conditions. ClinVar contains an entry for this variant (Variation ID: 1388539). An algorithm developed to predict the effect of missense changes on protein structure and function (PolyPhen-2) suggests that this variant is likely to be tolerated. In summary, the available evidence is currently insufficient to determine the role of this variant in disease. Therefore, it has been classified as a Variant of Uncertain Significance.